The following is an entry in ClinVar:

NM_015100.4(POGZ):c.634G>A (p.Val212Met)

Gene: POGZ (pogo transposable element derived with ZNF domain; minus strand). Cytogenetic location: 1q21.3.
Variant type: single nucleotide variant.
Coding change: c.634G>A on transcript NM_015100.4 (MANE Select); coding-DNA position 634, G replaced by A.
Protein change: p.Val212Met; replaces valine 212 with methionine.
Molecular consequence: missense variant.
Genome position (GRCh38, 1-based): chr1:151,428,348, C>T on the plus strand (G>A on the coding strand, the complement: POGZ is on the minus strand). VCF-style: chr1-151428348-C-T. GRCh37 (hg19) VCF-style: chr1-151400824-C-T.
Other names: c.634G>A, p.Val212Met (NM_001194937.2); c.475G>A, p.Val159Met (NM_001194938.2, NM_207171.2); c.349G>A, p.Val117Met (NM_145796.4); short protein forms V212M, V159M, V117M.
Identifiers: ClinVar variation 450471 (VCV000450471.8), dbSNP rs1553226286, ClinGen allele CA341978235.

ClinVar aggregate classification (germline): Uncertain significance. Review status: criteria provided, multiple submitters, no conflicts (2 of 4 stars). 4 submissions from 4 submitters: Uncertain significance (4). Last evaluated 2023-11-21.

Conditions:
Intellectual disability-microcephaly-strabismus-behavioral abnormalities syndrome. Also called: White-Sutton Syndrome. Identifiers: Orphanet 468678, MedGen C4225351, MONDO:0014606, OMIM 616364.

Allele frequency attached by ClinVar (database versions not stated): gnomAD exomes below 0.00001.

Submissions (4):

Baylor Genetics
Classification: Uncertain significance for Intellectual disability-microcephaly-strabismus-behavioral abnormalities syndrome. Last evaluated: 2023-11-21. Review status: criteria provided, single submitter. Criteria: ACMG Guidelines, 2015. Collection method: clinical testing. Allele origin: unknown.

Genome-Nilou Lab
Classification: Uncertain significance for Intellectual disability-microcephaly-strabismus-behavioral abnormalities syndrome. Last evaluated: 2023-04-11. Review status: criteria provided, single submitter. Criteria: ACMG Guidelines, 2015. Collection method: clinical testing. Allele origin: germline. Affected: no.

GeneDx
Classification: Uncertain significance. Last evaluated: 2019-10-08. Review status: criteria provided, single submitter. Criteria: GeneDx Variant Classification Process June 2021. Collection method: clinical testing. Allele origin: germline. Affected: yes.
Comment: Not observed in large population cohorts (Lek et al., 2016); In silico analysis, which includes protein predictors and evolutionary conservation, supports that this variant does not alter protein structure/function; Has not been previously published as pathogenic or benign to our knowledge

Geisinger Autism and Developmental Medicine Institute, Geisinger Health System
Classification: Uncertain significance for Intellectual disability-microcephaly-strabismus-behavioral abnormalities syndrome. Last evaluated: 2017-08-30. Review status: criteria provided, single submitter. Criteria: ACMG Guidelines, 2015. Collection method: provider interpretation, clinical testing. Allele origin: unknown. Observed: 1 variant allele.
Comment: Inheritance is unknown, as a paternal sample is unavailable. Intellectual disability, autism, dysmorphic features, and vision issues have been seen in individuals with pathogenic variants in POGZ. The p.Val212Met variant is absent from population databases. Computational prediction models are inconsistent.

Literature cited by the submitters: PubMed 26942287 (cited by Geisinger Autism and Developmental Medicine Institute, Geisinger Health System); PubMed 26739615 (cited by Geisinger Autism and Developmental Medicine Institute, Geisinger Health System); PubMed 27148570 (cited by Geisinger Autism and Developmental Medicine Institute, Geisinger Health System).